The following is an entry in ClinVar:

ClinVar aggregate classification (germline): Conflicting classifications of pathogenicity. Review status: criteria provided, conflicting classifications (1 of 4 stars). 6 submissions from 6 submitters: Likely pathogenic (1); Uncertain significance (5). Last evaluated 2026-09-18.

Conditions:
CABP2-related disorder. Also called: CABP2-related condition.

Allele frequency attached by ClinVar (database versions not stated): ESP Exome Variant Server 0.00015; gnomAD 0.00004 and 0.00005; gnomAD exomes 0.00004; ExAC 0.00006; TOPMed 0.00006.

Submissions (6):

PreventionGenetics, part of Exact Sciences
Classification: Uncertain significance for CABP2-related condition. Last evaluated: 2026-09-18. Review status: criteria provided, single submitter. Criteria: ACMG Guidelines, 2015. Collection method: clinical testing. Allele origin: germline.
Comment: The CABP2 c.224T>C variant is predicted to result in the amino acid substitution p.Leu75Pro. To our knowledge, this variant has not been reported in the literature. This variant is reported in 0.0086% of alleles in individuals of European (Non-Finnish) descent in gnomAD. At this time, the clinical significance of this variant is uncertain due to the absence of conclusive functional and genetic evidence.

GeneDx
Classification: Uncertain significance. Last evaluated: 2024-09-26. Review status: criteria provided, single submitter. Criteria: GeneDx Variant Classification Process June 2021. Collection method: clinical testing. Allele origin: germline. Affected: yes.
Comment: In silico analysis supports that this missense variant has a deleterious effect on protein structure/function; Has not been previously published as pathogenic or benign to our knowledge

Blueprint Genetics
Classification: Likely pathogenic for CABP2-related disorders. Last evaluated: 2023-12-29. Review status: criteria provided, single submitter. Criteria: ACMG Guidelines, 2015. Collection method: clinical testing. Allele origin: germline. Affected: yes. Observed: 5 variant alleles.

CeGaT Center for Human Genetics Tuebingen
Classification: Uncertain significance. Last evaluated: 2023-04-01. Review status: criteria provided, single submitter. Criteria: CeGaT Center For Human Genetics Tuebingen Variant Classification Criteria Version 2. Collection method: clinical testing. Allele origin: germline. Affected: yes. Observed: 3 variant alleles.
Comment: CABP2: PM2, PM3

Labcorp Genetics (formerly Invitae), Labcorp
Classification: Uncertain significance. Last evaluated: 2022-08-02. Review status: criteria provided, single submitter. Criteria: Invitae Variant Classification Sherloc (09022015). Collection method: clinical testing. Allele origin: germline.
Comment: This sequence change replaces leucine, which is neutral and non-polar, with proline, which is neutral and non-polar, at codon 75 of the CABP2 protein (p.Leu75Pro). This variant is present in population databases (rs376333735, gnomAD 0.007%). This variant has not been reported in the literature in individuals affected with CABP2-related conditions. ClinVar contains an entry for this variant (Variation ID: 1504028). Algorithms developed to predict the effect of missense changes on protein structure and function are either unavailable or do not agree on the potential impact of this missense change (SIFT: "Deleterious"; PolyPhen-2: "Probably Damaging"; Align-GVGD: "Class C0"). In summary, the available evidence is currently insufficient to determine the role of this variant in disease. Therefore, it has been classified as a Variant of Uncertain Significance.

Breakthrough Genomics
Classification: Uncertain significance. Review status: criteria provided, single submitter. Criteria: ACMG Guidelines, 2015. Collection method: not provided. Allele origin: germline. Inheritance: Autosomal recessive inheritance. Affected: yes.

NM_016366.3(CABP2):c.224T>C (p.Leu75Pro)

Gene: CABP2 (calcium binding protein 2; minus strand). Cytogenetic location: 11q13.2.
Variant type: single nucleotide variant.
Coding change: c.224T>C on transcript NM_016366.3 (MANE Select); coding-DNA position 224, T replaced by C.
Protein change: p.Leu75Pro; replaces leucine 75 with proline.
Molecular consequence: missense variant.
Genome position (GRCh38, 1-based): chr11:67,521,972, A>G on the plus strand (T>C on the coding strand, the complement: CABP2 is on the minus strand). VCF-style: chr11-67521972-A-G. GRCh37 (hg19) VCF-style: chr11-67289443-A-G.
Other names: c.242T>C, p.Leu81Pro (NM_001318496.2); c.224T>C (NM_016366.2); short protein forms L81P, L75P.
Identifiers: ClinVar variation 1504028 (VCV001504028.38), dbSNP rs376333735, ClinGen allele CA6142544.